The following is an entry in ClinVar:

ClinVar aggregate classification (germline): Uncertain significance. Review status: criteria provided, multiple submitters, no conflicts (2 of 4 stars). 2 submissions from 2 submitters: Uncertain significance (2). Last evaluated 2025-11-12.

Conditions:
Cardiovascular phenotype. Identifiers: MedGen CN230736.
Legius syndrome. Identifiers: Orphanet 137605, MedGen C1969623, MONDO:0012669, OMIM 611431. Disease mechanism: loss of function.

Allele frequency attached by ClinVar (database versions not stated): TOPMed below 0.00001; gnomAD 0.00001; gnomAD exomes 0.00001 and 0.00002; ExAC 0.00002.
gnomAD v4.1: 33 of 1,613,980 alleles (0.002%); highest among the groups gnomAD compares: Non-Finnish European, 0.0028%; no homozygotes.

Submissions (2):

Labcorp Genetics (formerly Invitae), Labcorp
Classification: Uncertain significance for Legius syndrome. Last evaluated: 2025-11-12. Review status: criteria provided, single submitter. Criteria: Invitae Variant Classification Sherloc (09022015). Collection method: clinical testing. Allele origin: germline.
Comment: This sequence change replaces alanine, which is neutral and non-polar, with valine, which is neutral and non-polar, at codon 406 of the SPRED1 protein (p.Ala406Val). This variant is present in population databases (rs748390368, gnomAD 0.002%). This variant has not been reported in the literature in individuals affected with SPRED1-related conditions. ClinVar contains an entry for this variant (Variation ID: 1022406). Invitae Evidence Modeling of protein sequence and biophysical properties (such as structural, functional, and spatial information, amino acid conservation, physicochemical variation, residue mobility, and thermodynamic stability) indicates that this missense variant is not expected to disrupt SPRED1 protein function with a negative predictive value of 80%. In summary, the available evidence is currently insufficient to determine the role of this variant in disease. Therefore, it has been classified as a Variant of Uncertain Significance.

Ambry Genetics
Classification: Uncertain significance for Cardiovascular phenotype. Last evaluated: 2023-12-20. Review status: criteria provided, single submitter. Criteria: Ambry Variant Classification Scheme 2023. Collection method: clinical testing. Allele origin: germline.
Comment: The p.A406V variant (also known as c.1217C>T), located in coding exon 7 of the SPRED1 gene, results from a C to T substitution at nucleotide position 1217. The alanine at codon 406 is replaced by valine, an amino acid with similar properties. This amino acid position is conserved. In addition, the in silico prediction for this alteration is inconclusive. Since supporting evidence is limited at this time, the clinical significance of this alteration remains unclear.

NM_152594.3(SPRED1):c.1217C>T (p.Ala406Val)

Gene: SPRED1 (sprouty related EVH1 domain containing 1; plus strand). Cytogenetic location: 15q14.
Variant type: single nucleotide variant.
Coding change: c.1217C>T on transcript NM_152594.3 (MANE Select); coding-DNA position 1217, C replaced by T.
Protein change: p.Ala406Val; replaces alanine 406 with valine.
Molecular consequence: missense variant.
Genome position (GRCh38, 1-based): chr15:38,351,546, C>T. VCF-style: chr15-38351546-C-T. GRCh37 (hg19) VCF-style: chr15-38643747-C-T.
Other names: c.1217C>T (NM_152594.2); short protein forms A406V.
Identifiers: ClinVar variation 1022406 (VCV001022406.10), dbSNP rs748390368, ClinGen allele CA7470248.